The following is an entry in ClinVar:

NM_032043.3(BRIP1):c.128_131del (p.Leu43fs)

Gene: BRIP1 (BRCA1 interacting DNA helicase 1; minus strand). Cytogenetic location: 17q23.2.
Variant type: Microsatellite.
Coding change: c.128_131del on transcript NM_032043.3 (MANE Select); coding-DNA positions 128 to 131, 4 bases deleted (TGTT; older notation c.128_131delTGTT).
Protein change: p.Leu43fs; shifts the reading frame from leucine 43.
Molecular consequence: frameshift variant.
Genome position (GRCh38, 1-based): chr17:61,859,870-61,859,873, AACA deleted on the plus strand (TGTT on the coding strand, the reverse complement: BRIP1 is on the minus strand); deleting any 4 consecutive bases within chr17:61,859,870-61,859,878 gives the same sequence; the c. name uses the placement nearest the transcript's 3' end. VCF-style (leftmost placement, unchanged base first): chr17-61859869-CAACA-C. GRCh37 (hg19) VCF-style: chr17-59937230-CAACA-C.
Other names: c.128_131delTGTT (NM_032043.2); short protein forms L43fs.
Identifiers: ClinVar variation 419951 (VCV000419951.29), dbSNP rs1064794202, ClinGen allele CA16620549.
Genomic context (GRCh38, chr17:61,859,869, plus strand): 5'-TTGCCATGCTAAAGCAGAACAAAGTAAGGCTAAGCTTTTTCCACTTCCTGTGGGACTCTC[CAACA>C]AACAATGTTGCTTGCTGTTTAATCCTCTGAGAATCTATGAACACAGAAACCAATGAAAAT-3'

ClinVar aggregate classification (germline): Pathogenic/Likely pathogenic. Review status: criteria provided, multiple submitters, no conflicts (2 of 4 stars). 9 submissions from 9 submitters: Pathogenic (7); Likely pathogenic (1). 1 of the submissions does not count toward it. Last evaluated 2025-08-11.

Conditions:
Familial cancer of breast. Also called: hereditary breast carcinoma; Hereditary breast cancer; BREAST CANCER, FAMILIAL. Identifiers: Orphanet 227535, MedGen C0346153, MONDO:0016419, OMIM 114480. Disease mechanism: loss of function.
Breast and/or ovarian cancer. Identifiers: MedGen CN221562.
Hereditary cancer-predisposing syndrome. Also called: Hereditary neoplastic syndrome; Hereditary Cancer Syndrome; Neoplastic Syndromes, Hereditary; Tumor predisposition. Identifiers: Orphanet 140162, MedGen C0027672, MeSH D009386, MONDO:0015356.
Fanconi anemia complementation group J. Also called: BRIP1-Related Fanconi Anemia. Identifiers: Orphanet 84, MedGen C1836860, MONDO:0012187, OMIM 609054.

Submissions (9):

Labcorp Genetics (formerly Invitae), Labcorp
Classification: Pathogenic for Familial cancer of breast; Fanconi anemia complementation group J. Last evaluated: 2025-08-11. Review status: criteria provided, single submitter. Criteria: Invitae Variant Classification Sherloc (09022015). Collection method: clinical testing. Allele origin: germline.
Comment: This sequence change creates a premature translational stop signal (p.Leu43Trpfs*11) in the BRIP1 gene. It is expected to result in an absent or disrupted protein product. Loss-of-function variants in BRIP1 are known to be pathogenic (PMID: 16116423, 17033622, 21964575). This variant is present in population databases (no rsID available, gnomAD 0.0009%). This premature translational stop signal has been observed in individual(s) with ovarian cancer (PMID: 26315354). ClinVar contains an entry for this variant (Variation ID: 419951). For these reasons, this variant has been classified as Pathogenic.

Molecular Diagnostics Laboratory, Catalan Institute of Oncology
Classification: Likely pathogenic for Hereditary cancer-predisposing syndrome. Last evaluated: 2024-11-06. Review status: criteria provided, single submitter. Criteria: ACMG Guidelines, 2015. Collection method: clinical testing. Allele origin: germline.
Comment: PVS1, PM2_Supporting c.128_131del, located in exon 3 of the BRIP1 gene, consists in the deletion of 4 nucleotides, causing a translational frameshift with a predicted alternate stop codon p.(Leu43Trpfs*11). This alteration is expected to result in loss of function by premature protein truncation and nonsense-mediated mRNA decay (PVS1). This variant is found in 1/268269 alleles at a frequency of 0.0003% in the gnomAD v2.1.1 database, non-cancer dataset (PM2_supporting). To our knowledge, neither relevant clinical data nor well-established functional studies have been reported for this variant. It has been reported in an ovarian cancer-affected patient (PMID: 26315354). This variant has been reported in the ClinVar database (8x pathogenic), in the LOVD database (1x pathogenic). Based on currently available information, the variant c.128_131del should be considered a likely pathogenic variant, according to ACMG/AMP classification guidelines.

Ambry Genetics
Classification: Pathogenic for Hereditary cancer-predisposing syndrome. Last evaluated: 2024-10-03. Review status: criteria provided, single submitter. Criteria: Ambry Variant Classification Scheme 2023. Collection method: clinical testing. Allele origin: germline.
Comment: The c.128_131delTGTT pathogenic mutation, located in coding exon 2 of the BRIP1 gene, results from a deletion of 4 nucleotides at nucleotide positions 128 to 131, causing a translational frameshift with a predicted alternate stop codon (p.L43Wfs*11). In one study, this mutation was detected in an unaffected individual who had two first-degree relatives with ovarian cancer (Ramus SJ et al. J. Natl. Cancer Inst. 2015 Nov;107). In another study, this alteration was identified in an individual affected with gastric cancer (Slavin T et al. Cancer Genet, 2017 Oct;216-217:111-119). This variant is considered to be rare based on population cohorts in the Genome Aggregation Database (gnomAD). In addition to the clinical data presented in the literature, this alteration is expected to result in loss of function by premature protein truncation or nonsense-mediated mRNA decay. As such, this alteration is interpreted as a disease-causing mutation.

Baylor Genetics
Classification: Pathogenic for Familial cancer of breast. Last evaluated: 2023-06-14. Review status: criteria provided, single submitter. Criteria: ACMG Guidelines, 2015. Collection method: clinical testing. Allele origin: unknown.

GeneDx
Classification: Pathogenic. Last evaluated: 2023-06-08. Review status: criteria provided, single submitter. Criteria: GeneDx Variant Classification Process June 2021. Collection method: clinical testing. Allele origin: germline. Affected: yes.
Comment: Frameshift variant predicted to result in protein truncation or nonsense mediated decay in a gene for which loss-of-function is a known mechanism of disease; Not observed at significant frequency in large population cohorts (gnomAD); This variant is associated with the following publications: (PMID: 27779110, 26315354, 30733081, 32295079, 29025585, 35171259, 29922827)

Myriad Genetics, Inc.
Classification: Pathogenic for Familial cancer of breast. Last evaluated: 2023-05-30. Review status: criteria provided, single submitter. Criteria: Myriad Autosomal Dominant, Autosomal Recessive and X-Linked Classification Criteria (2023). Collection method: clinical testing. Allele origin: unknown.
Comment: This variant is considered pathogenic. This variant creates a frameshift predicted to result in premature protein truncation.

Color Diagnostics, LLC DBA Color Health
Classification: Pathogenic for Hereditary cancer-predisposing syndrome. Last evaluated: 2022-06-13. Review status: criteria provided, single submitter. Criteria: ACMG Guidelines, 2015. Collection method: clinical testing. Allele origin: germline.
Comment: This variant deletes 4 nucleotides in exon 3 of the BRIP1 gene, creating a frameshift and premature translation stop signal. This variant is expected to result in an absent or non-functional protein product. This variant has been reported in an individual affected with familial ovarian cancer (PMID: 26315354). This variant has been identified in 1/251410 chromosomes in the general population by the Genome Aggregation Database (gnomAD). Loss of BRIP1 function is a known mechanism of disease. Based on the available evidence, this variant is classified as Pathogenic.

Sema4
Classification: Pathogenic for Hereditary cancer-predisposing syndrome. Last evaluated: 2021-08-16. Review status: criteria provided, single submitter. Criteria: Sema4 Curation Guidelines. Collection method: curation. Allele origin: germline.
Comment: The BRIP1 c.128_131delTGTT (p.L43WfsX11) variant has been reported in heterozygosity in at least one woman with breast and thyroid cancer and one with a family history of ovarian cancer (PMID: 27779110, 26315354, 30733081). This variant causes a frameshift at amino acid 43 that results in premature termination 11 amino acids downstream. At this location, this is predicted to cause nonsense-mediated decay and result in an absent protein (loss of function). It was observed in 1/113712 chromosomes of the Non-Finnish European subpopulation in the large and broad cohorts of the Genome Aggregation Database (PMID: 32461654). The variant has been reported in ClinVar (Variation ID 419951). Based on the current evidence available, this variant is interpreted as pathogenic.

CZECANCA consortium
Classification: Pathogenic for Breast and/or ovarian cancer. Last evaluated: 2019-06-11. Review status: no assertion criteria provided. Collection method: clinical testing. Allele origin: germline. Affected: yes. Observed: 1 variant allele. Not counted in ClinVar's aggregate classification.

Literature cited by the submitters: PubMed 16116423 (cited by Labcorp Genetics (formerly Invitae), Labcorp); PubMed 17033622 (cited by Labcorp Genetics (formerly Invitae), Labcorp); PubMed 21964575 (cited by Labcorp Genetics (formerly Invitae), Labcorp); PubMed 26315354 (cited by 4 submitters); PubMed 29025585 (cited by Ambry Genetics); PubMed 27779110 (cited by Sema4); PubMed 30733081 (cited by Sema4); PubMed 32295079 (cited by CZECANCA consortium).